The following is an entry in ClinVar:

ClinVar aggregate classification (germline): Uncertain significance. Review status: criteria provided, multiple submitters, no conflicts (2 of 4 stars). 2 submissions from 2 submitters: Uncertain significance (2). Last evaluated 2025-11-25.

Allele frequency attached by ClinVar (database versions not stated): gnomAD 0.00003; TOPMed 0.00006.
gnomAD v4.1: 74 of 1,613,210 alleles (0.0046%); highest among the groups gnomAD compares: Non-Finnish European, 0.0057%; no homozygotes.

Submissions (2):

Labcorp Genetics (formerly Invitae), Labcorp
Classification: Uncertain significance. Last evaluated: 2025-11-25. Review status: criteria provided, single submitter. Criteria: Invitae Variant Classification Sherloc (09022015). Collection method: clinical testing. Allele origin: germline.
Comment: This sequence change replaces glycine, which is neutral and non-polar, with serine, which is neutral and polar, at codon 149 of the CFAP410 protein (p.Gly149Ser). This variant is present in population databases (no rsID available, gnomAD 0.01%). This variant has not been reported in the literature in individuals affected with CFAP410-related conditions. ClinVar contains an entry for this variant (Variation ID: 850152). Invitae Evidence Modeling of protein sequence and biophysical properties (such as structural, functional, and spatial information, amino acid conservation, physicochemical variation, residue mobility, and thermodynamic stability) indicates that this missense variant is not expected to disrupt CFAP410 protein function with a negative predictive value of 80%. In summary, the available evidence is currently insufficient to determine the role of this variant in disease. Therefore, it has been classified as a Variant of Uncertain Significance.

Blueprint Genetics
Classification: Uncertain significance. Last evaluated: 2024-08-29. Review status: criteria provided, single submitter. Criteria: ACMG Guidelines, 2015. Collection method: clinical testing. Allele origin: germline.

NM_004928.3(CFAP410):c.445G>A (p.Gly149Ser)

Gene: CFAP410 (cilia and flagella associated protein 410; minus strand). Cytogenetic location: 21q22.3.
Variant type: single nucleotide variant.
Coding change: c.445G>A on transcript NM_004928.3 (MANE Select); coding-DNA position 445, G replaced by A.
Protein change: p.Gly149Ser; replaces glycine 149 with serine.
Molecular consequence: missense variant.
Genome position (GRCh38, 1-based): chr21:44,331,943, C>T on the plus strand (G>A on the coding strand, the complement: CFAP410 is on the minus strand). VCF-style: chr21-44331943-C-T. GRCh37 (hg19) VCF-style: chr21-45751826-C-T.
Other names: c.445G>A, p.Gly149Ser (NM_001271440.2, NM_001271441.2); c.322G>A, p.Gly108Ser (NM_001271442.1); short protein forms G108S, G149S.
Identifiers: ClinVar variation 850152 (VCV000850152.7), dbSNP rs766367624, ClinGen allele CA10053669.